The following is an entry in ClinVar:

ClinVar aggregate classification (germline): Benign/Likely benign. Review status: criteria provided, multiple submitters, no conflicts (2 of 4 stars). 6 submissions from 6 submitters: Benign (2); Likely benign (4). Last evaluated 2025-12-23.

Conditions:
Maturity-onset diabetes of the young (MODY). Also called: Maturity onset diabetes mellitus in young. Identifiers: Orphanet 552, MedGen C0342276, MONDO:0018911, HP:0004904.

Allele frequency attached by ClinVar (database versions not stated): ExAC 0.00023; 1000 Genomes Project 0.00040; gnomAD 0.00078 and 0.00076; TOPMed 0.00081; 1000 Genomes Project 30x 0.00047.

Submissions (6):

Labcorp Genetics (formerly Invitae), Labcorp
Classification: Likely benign. Last evaluated: 2025-12-23. Review status: criteria provided, single submitter. Criteria: Invitae Variant Classification Sherloc (09022015). Collection method: clinical testing. Allele origin: germline.

Women's Health and Genetics/Laboratory Corporation of America, LabCorp
Classification: Benign. Last evaluated: 2024-12-06. Review status: criteria provided, single submitter. Criteria: LabCorp Variant Classification Summary - May 2015. Collection method: clinical testing. Allele origin: germline.

Blueprint Genetics
Classification: Likely benign. Last evaluated: 2024-10-24. Review status: criteria provided, single submitter. Criteria: ACMG Guidelines, 2015. Collection method: clinical testing. Allele origin: germline.

Athena Diagnostics
Classification: Benign. Last evaluated: 2019-05-01. Review status: criteria provided, single submitter. Criteria: Athena Diagnostics Criteria. Collection method: clinical testing. Allele origin: germline.

GeneDx
Classification: Likely benign. Last evaluated: 2019-04-29. Review status: criteria provided, single submitter. Criteria: GeneDx Variant Classification Process June 2021. Collection method: clinical testing. Allele origin: germline. Affected: yes.
Comment: This variant is associated with the following publications: (PMID: 21569088)

Ambry Genetics
Classification: Likely benign for Maturity-onset diabetes of the young. Last evaluated: 2019-01-05. Review status: criteria provided, single submitter. Criteria: Ambry Variant Classification Scheme 2023. Collection method: clinical testing. Allele origin: germline.

NM_000209.4(PDX1):c.6C>T (p.Asn2=)

Gene: PDX1 (pancreatic and duodenal homeobox 1; plus strand). Cytogenetic location: 13q12.2.
Variant type: single nucleotide variant.
Coding change: c.6C>T on transcript NM_000209.4 (MANE Select); coding-DNA position 6, C replaced by T.
Protein change: p.Asn2=; no amino-acid change (asparagine 2 retained).
Molecular consequence: synonymous variant.
Genome position (GRCh38, 1-based): chr13:27,920,144, C>T. VCF-style: chr13-27920144-C-T. GRCh37 (hg19) VCF-style: chr13-28494281-C-T.
Identifiers: ClinVar variation 385192 (VCV000385192.19), dbSNP rs146936598, ClinGen allele CA6927574.